The following is an entry in ClinVar:

ClinVar aggregate classification (germline): Uncertain significance (1 of 4 stars; one submission).

Conditions:
Hereditary cancer-predisposing syndrome. Also called: Tumor predisposition; Neoplastic Syndromes, Hereditary; Hereditary neoplastic syndrome; Hereditary Cancer Syndrome. Identifiers: Orphanet 140162, MedGen C0027672, MeSH D009386, MONDO:0015356.

Submission:

Ambry Genetics
Classification: Uncertain significance for Hereditary cancer-predisposing syndrome. Last evaluated: 2025-08-27. Review status: criteria provided, single submitter. Criteria: Ambry Variant Classification Scheme 2023. Collection method: clinical testing. Allele origin: germline.
Comment: The p.C51G variant (also known as c.151T>G), located in coding exon 2 of the MUTYH gene, results from a T to G substitution at nucleotide position 151. The cysteine at codon 51 is replaced by glycine, an amino acid with highly dissimilar properties. This amino acid position is conserved. In addition, this alteration is predicted to be tolerated by in silico analysis. Based on the available evidence, the clinical significance of this variant remains unclear.

NM_001048174.2(MUTYH):c.109T>G (p.Cys37Gly)

Gene: MUTYH (mutY DNA glycosylase; minus strand). Cytogenetic location: 1p34.1.
Variant type: single nucleotide variant.
Coding change: c.109T>G on transcript NM_001048174.2 (MANE Select); coding-DNA position 109, T replaced by G.
Protein change: p.Cys37Gly; replaces cysteine 37 with glycine.
Molecular consequence: missense variant. On other transcripts: 5 prime UTR variant (7), non-coding transcript variant (7).
Genome position (GRCh38, 1-based): chr1:45,334,397, A>C on the plus strand (T>G on the coding strand, the complement: MUTYH is on the minus strand). VCF-style: chr1-45334397-A-C. GRCh37 (hg19) VCF-style: chr1-45800069-A-C.
Other names: c.109T>G, p.Cys37Gly (NM_001048171.2, NM_001048172.2, NM_001048173.2 and 15 more transcripts); c.151T>G, p.Cys51Gly (NM_001128425.2, NM_001293190.2, NM_012222.3 and 2 more transcripts); c.-99T>G (NM_001407082.1, NM_001350651.2); c.127T>G, p.Cys43Gly (NM_001407087.1); c.-104T>G (NM_001407091.1, NM_001293192.2, NM_001293196.2); c.-163T>G (NM_001350650.2); c.-48T>G (NM_001407075.1); short protein forms C43G, C51G, C37G.
Identifiers: ClinVar variation 4113318 (VCV004113318.1).